The following is an entry in ClinVar:

NM_004336.5(BUB1):c.1671dup (p.Val558fs)

Gene: BUB1 (BUB1 mitotic checkpoint serine/threonine kinase; minus strand). Cytogenetic location: 2q13.
Variant type: Duplication.
Coding change: c.1671dup on transcript NM_004336.5 (MANE Select); coding-DNA position 1671, one base duplicated (T; older notation c.1671dupT).
Protein change: p.Val558fs; shifts the reading frame from valine 558.
Molecular consequence: frameshift variant.
Genome position (GRCh38, 1-based): chr2:110,657,063, A duplicated on the plus strand (T on the coding strand, the reverse complement: BUB1 is on the minus strand). VCF-style (leftmost placement, unchanged base first): chr2-110657062-C-CA. GRCh37 (hg19) VCF-style: chr2-111414639-C-CA.
Other names: c.1611dup, p.Val538fs (NM_001278616.2); c.1671dup, p.Val558fs (NM_001278617.2); short protein forms V538fs, V558fs.
Identifiers: ClinVar variation 3631957 (VCV003631957.2).

ClinVar aggregate classification (germline): Uncertain significance (1 of 4 stars; one submission).

Submission:

Labcorp Genetics (formerly Invitae), Labcorp
Classification: Uncertain significance. Last evaluated: 2024-07-19. Review status: criteria provided, single submitter. Criteria: Invitae Variant Classification Sherloc (09022015). Collection method: clinical testing. Allele origin: germline.
Comment: This sequence change creates a premature translational stop signal (p.Val558Cysfs*16) in the BUB1 gene. It is expected to result in an absent or disrupted protein product. However, the current clinical and genetic evidence is not sufficient to establish whether loss-of-function variants in BUB1 cause disease. This variant is not present in population databases (gnomAD no frequency). This variant has not been reported in the literature in individuals affected with BUB1-related conditions. In summary, the available evidence is currently insufficient to determine the role of this variant in disease. Therefore, it has been classified as a Variant of Uncertain Significance.